The following is an entry in ClinVar:

NM_024529.5(CDC73):c.295A>G (p.Asn99Asp)

Gene: CDC73 (cell division cycle 73; plus strand). Cytogenetic location: 1q31.2.
Variant type: single nucleotide variant.
Coding change: c.295A>G on transcript NM_024529.5 (MANE Select); coding-DNA position 295, A replaced by G.
Protein change: p.Asn99Asp; replaces asparagine 99 with aspartic acid.
Molecular consequence: missense variant.
Genome position (GRCh38, 1-based): chr1:193,130,231, A>G. VCF-style: chr1-193130231-A-G. GRCh37 (hg19) VCF-style: chr1-193099361-A-G.
Other names: short protein forms N99D.
Identifiers: ClinVar variation 1487076 (VCV001487076.8), dbSNP rs2103117949, ClinGen allele CA343973394.
Genomic context (GRCh38, chr1:193,130,231, plus strand): 5'-TAGACTGAAAATATTCCTGTGGTTAGAAGACCTGATCGAAAAGATCTACTTGGATATCTC[A>G]ATGGTGAAGCGTGTGAGTACTTTTTAAATTGTTCCCAGTCTTAAACAGACATTGTTTCTT-3'
Protein context (NP_078805.3, residues 89-109): PDRKDLLGYL[Asn99Asp]GEASTSASID

ClinVar aggregate classification (germline): Uncertain significance (1 of 4 stars; one submission).

Conditions:
Parathyroid carcinoma (PRTC). Also called: CDC73-Related Parathyroid Carcinoma; Parathyroid gland carcinoma. Identifiers: Orphanet 143, MedGen C0687150, MONDO:0012004, OMIM 608266, HP:0006780.

Submission:

Labcorp Genetics (formerly Invitae), Labcorp
Classification: Uncertain significance for Parathyroid carcinoma. Last evaluated: 2024-04-29. Review status: criteria provided, single submitter. Criteria: Invitae Variant Classification Sherloc (09022015). Collection method: clinical testing. Allele origin: germline.
Comment: This sequence change replaces asparagine, which is neutral and polar, with aspartic acid, which is acidic and polar, at codon 99 of the CDC73 protein (p.Asn99Asp). This variant is not present in population databases (gnomAD no frequency). This variant has not been reported in the literature in individuals affected with CDC73-related conditions. ClinVar contains an entry for this variant (Variation ID: 1487076). Advanced modeling of protein sequence and biophysical properties (such as structural, functional, and spatial information, amino acid conservation, physicochemical variation, residue mobility, and thermodynamic stability) performed at Invitae indicates that this missense variant is not expected to disrupt CDC73 protein function with a negative predictive value of 80%. In summary, the available evidence is currently insufficient to determine the role of this variant in disease. Therefore, it has been classified as a Variant of Uncertain Significance.